The following is an entry in ClinVar:

ClinVar aggregate classification (germline): Conflicting classifications of pathogenicity. Review status: criteria provided, conflicting classifications (1 of 4 stars). 5 submissions from 5 submitters: Uncertain significance (1); Benign (1); Likely benign (3). Last evaluated 2025-11-18.

Conditions:
Frontometaphyseal dysplasia (FMD1). Identifiers: Orphanet 1826, MedGen C0265293, MONDO:0015942.
Heterotopia, periventricular, X-linked dominant (PVNH1). Also called: X-linked periventricular heterotopia; PERIVENTRICULAR NODULAR HETEROTOPIA 4; HETEROTOPIA, PERIVENTRICULAR, 1; PERIVENTRICULAR NODULAR HETEROTOPIA 1. Identifiers: Orphanet 2149, Orphanet 82004, MedGen C1848213, MONDO:0010233, OMIM 300049.
Oto-palato-digital syndrome, type II (OPD2). Also called: Otopalatodigital Syndrome Type 2 (FLNA-OPD2); FACIOPALATOOSSEOUS SYNDROME; Otopalatodigital Syndrome, Type II; OPD II SYNDROME. Identifiers: Orphanet 669, Orphanet 90652, MedGen C1844696, MONDO:0010571, OMIM 304120.
Melnick-Needles syndrome (MNS). Also called: Melnick-Needles Syndrome (FLNA-MNS); MELNICK-NEEDLES OSTEODYSPLASTY; OSTEODYSPLASTY OF MELNICK AND NEEDLES. Identifiers: Orphanet 2484, MedGen C0025237, MONDO:0010650, OMIM 309350.
Familial thoracic aortic aneurysm and aortic dissection (TAAD). Also called: Thoracic aortic aneurysms and dissections. Identifiers: Orphanet 91387, MedGen C4707243, MONDO:0019625.

Allele frequency attached by ClinVar (database versions not stated): gnomAD exomes 0.00004; ExAC 0.00007; ESP Exome Variant Server 0.00009; gnomAD 0.00010 and 0.00012; TOPMed 0.00011.

Submissions (5):

Labcorp Genetics (formerly Invitae), Labcorp
Classification: Benign for Oto-palato-digital syndrome, type II; Heterotopia, periventricular, X-linked dominant; Frontometaphyseal dysplasia; Melnick-Needles syndrome. Last evaluated: 2025-11-18. Review status: criteria provided, single submitter. Criteria: Invitae Variant Classification Sherloc (09022015). Collection method: clinical testing. Allele origin: germline.

CeGaT Center for Human Genetics Tuebingen
Classification: Likely benign. Last evaluated: 2025-07-01. Review status: criteria provided, single submitter. Criteria: CeGaT Center For Human Genetics Tuebingen Variant Classification Criteria Version 2. Collection method: clinical testing. Allele origin: germline. Affected: yes. Observed: 1 variant allele.
Comment: FLNA: BP4, BP7, BS2

Blueprint Genetics
Classification: Likely benign. Last evaluated: 2023-07-19. Review status: criteria provided, single submitter. Criteria: ACMG Guidelines, 2015. Collection method: clinical testing. Allele origin: germline.

Eurofins Ntd Llc (ga)
Classification: Uncertain significance. Last evaluated: 2017-07-20. Review status: criteria provided, single submitter. Criteria: EGL Classification Definitions 2015. Collection method: clinical testing. Allele origin: germline. Observed: 1 variant allele, 1 heterozygote.

Ambry Genetics
Classification: Likely benign for Familial thoracic aortic aneurysm and aortic dissection. Last evaluated: 2016-03-28. Review status: criteria provided, single submitter. Criteria: Ambry Variant Classification Scheme 2023. Collection method: clinical testing. Allele origin: germline.

NM_001110556.2(FLNA):c.5715G>A (p.Pro1905=)

Gene: FLNA (filamin A; minus strand). Cytogenetic location: Xq28.
Variant type: single nucleotide variant.
Coding change: c.5715G>A on transcript NM_001110556.2 (MANE Select); coding-DNA position 5715, G replaced by A.
Protein change: p.Pro1905=; no amino-acid change (proline 1905 retained).
Molecular consequence: synonymous variant.
Genome position (GRCh38, 1-based): chrX:154,353,699, C>T on the plus strand (G>A on the coding strand, the complement: FLNA is on the minus strand). VCF-style: chrX-154353699-C-T. GRCh37 (hg19) VCF-style: chrX-153582067-C-T.
Other names: c.5691G>A, p.Pro1897= (NM_001456.4).
Identifiers: ClinVar variation 519875 (VCV000519875.65), dbSNP rs367674709, ClinGen allele CA10560236.